The following is an entry in ClinVar:

NM_006030.4(CACNA2D2):c.3004C>A (p.Arg1002Ser)

Genes: CACNA2D2 (calcium voltage-gated channel auxiliary subunit alpha2delta 2; minus strand), LOC101928965 (uncharacterized LOC101928965; plus strand), LOC127898564 (CYB561D2-LOC101928965; plus strand). Cytogenetic location: 3p21.31.
Variant type: single nucleotide variant.
Coding change: c.3004C>A on transcript NM_006030.4 (MANE Select); coding-DNA position 3004, C replaced by A.
Protein change: p.Arg1002Ser; replaces arginine 1002 with serine.
Molecular consequence: missense variant. On other transcripts: non-coding transcript variant (2).
Genome position (GRCh38, 1-based): chr3:50,365,450, G>T on the plus strand (C>A on the coding strand, the complement: CACNA2D2 is on the minus strand). VCF-style: chr3-50365450-G-T. GRCh37 (hg19) VCF-style: chr3-50402881-G-T.
Other names: c.3004C>A, p.Arg1002Ser (NM_001005505.3); c.3025C>A, p.Arg1009Ser (NM_001174051.3); c.2797C>A, p.Arg933Ser (NM_001291101.1); short protein forms R1002S, R1009S, R933S.
Identifiers: ClinVar variation 461318 (VCV000461318.4), dbSNP rs764066785, ClinGen allele CA2418264.

ClinVar aggregate classification (germline): Uncertain significance (1 of 4 stars; one submission).

Conditions:
Developmental and epileptic encephalopathy. Identifiers: MedGen C5779964, MONDO:0100620.

Allele frequency attached by ClinVar (database versions not stated): ExAC 0.00001; gnomAD 0.00001; gnomAD exomes 0.00003.
gnomAD v4.1: 13 of 1,613,416 alleles (0.00081%); highest among the groups gnomAD compares: Admixed American, 0.01%; no homozygotes.

Submission:

Labcorp Genetics (formerly Invitae), Labcorp
Classification: Uncertain significance for Early-infantile DEE. Last evaluated: 2017-04-30. Review status: criteria provided, single submitter. Criteria: Invitae Variant Classification Sherloc (09022015). Collection method: clinical testing. Allele origin: germline.
Comment: In summary, this variant is a rare missense change with uncertain impact on protein function. There is no indication that it causes disease, but the available evidence is currently insufficient to prove that conclusively. Therefore, it has been classified as a Variant of Uncertain Significance. Algorithms developed to predict the effect of missense changes on protein structure and function (SIFT, PolyPhen-2, Align-GVGD) all suggest that this variant is likely to be disruptive, but these predictions have not been confirmed by published functional studies. This variant is present in population databases (rs764066785, ExAC 0.009%) but has not been reported in the literature in individuals with a CACNA2D2-related disease. This sequence change replaces arginine with serine at codon 1002 of the CACNA2D2 protein (p.Arg1002Ser). The arginine residue is highly conserved and there is a moderate physicochemical difference between arginine and serine.